The following is an entry in ClinVar:

NM_153240.5(NPHP3):c.3059G>C (p.Gly1020Ala)

Genes: NPHP3 (nephrocystin 3; minus strand), NPHP3-ACAD11 (NPHP3-ACAD11 readthrough (NMD candidate); minus strand). Cytogenetic location: 3q22.1.
Variant type: single nucleotide variant.
Coding change: c.3059G>C on transcript NM_153240.5 (MANE Select); coding-DNA position 3059, G replaced by C.
Protein change: p.Gly1020Ala; replaces glycine 1020 with alanine.
Molecular consequence: missense variant. On other transcripts: non-coding transcript variant (1).
Genome position (GRCh38, 1-based): chr3:132,688,716, C>G on the plus strand (G>C on the coding strand, the complement: NPHP3 is on the minus strand). VCF-style: chr3-132688716-C-G. GRCh37 (hg19) VCF-style: chr3-132407560-C-G.
Other names: short protein forms G1020A.
Identifiers: ClinVar variation 1354733 (VCV001354733.8), dbSNP rs146097715, ClinGen allele CA83584705.

ClinVar aggregate classification (germline): Uncertain significance. Review status: criteria provided, multiple submitters, no conflicts (2 of 4 stars). 3 submissions from 3 submitters: Uncertain significance (3). Last evaluated 2024-06-01.

Conditions:
NPHP3-related Meckel-like syndrome. Also called: Meckel syndrome type 7; GOLDSTON SYNDROME. Identifiers: Orphanet 3032, MedGen C2673885, MONDO:0009966, OMIM 267010.
Renal-hepatic-pancreatic dysplasia 1 (RHPD1). Identifiers: MedGen C3715199, MONDO:0008833, OMIM 208540.
Nephronophthisis 3 (NPHP3). Also called: Adolescent nephronophthisis. Identifiers: Orphanet 655, MedGen C1858392, MONDO:0011456, OMIM 604387.
Nephronophthisis. Also called: Juvenile Nephronophthisis. Identifiers: Orphanet 655, MedGen C0687120, MONDO:0019005, HP:0000090.

Allele frequency attached by ClinVar (database versions not stated): ESP Exome Variant Server 0.00008.
gnomAD v4.1: 65 of 1,613,962 alleles (0.004%); highest among the groups gnomAD compares: Non-Finnish European, 0.0052%; no homozygotes.

Submissions (3):

Fulgent Genetics
Classification: Uncertain significance for Renal-hepatic-pancreatic dysplasia 1; NPHP3-related Meckel-like syndrome; Nephronophthisis 3. Last evaluated: 2024-06-01. Review status: criteria provided, single submitter. Criteria: ACMG Guidelines, 2015. Collection method: clinical testing. Allele origin: germline.

Labcorp Genetics (formerly Invitae), Labcorp
Classification: Uncertain significance for Nephronophthisis. Last evaluated: 2022-03-12. Review status: criteria provided, single submitter. Criteria: Invitae Variant Classification Sherloc (09022015). Collection method: clinical testing. Allele origin: germline.
Comment: This sequence change replaces glycine, which is neutral and non-polar, with alanine, which is neutral and non-polar, at codon 1020 of the NPHP3 protein (p.Gly1020Ala). This variant is present in population databases (rs146097715, gnomAD 0.002%). This variant has not been reported in the literature in individuals affected with NPHP3-related conditions. Algorithms developed to predict the effect of missense changes on protein structure and function (SIFT, PolyPhen-2, Align-GVGD) all suggest that this variant is likely to be disruptive. In summary, the available evidence is currently insufficient to determine the role of this variant in disease. Therefore, it has been classified as a Variant of Uncertain Significance.

Revvity Omics, Revvity
Classification: Uncertain significance. Last evaluated: 2021-11-24. Review status: criteria provided, single submitter. Criteria: ACMG Guidelines, 2015. Collection method: clinical testing. Allele origin: germline.